The following is an entry in ClinVar:

ClinVar aggregate classification (germline): Uncertain significance (1 of 4 stars; one submission).

Conditions:
Hereditary cancer-predisposing syndrome. Also called: Hereditary Cancer Syndrome; Neoplastic Syndromes, Hereditary; Tumor predisposition; Hereditary neoplastic syndrome. Identifiers: Orphanet 140162, MedGen C0027672, MeSH D009386, MONDO:0015356.

Submission:

Ambry Genetics
Classification: Uncertain significance for Hereditary cancer-predisposing syndrome. Last evaluated: 2026-08-17. Review status: criteria provided, single submitter. Criteria: Ambry Variant Classification Scheme 2023. Collection method: clinical testing. Allele origin: germline.
Comment: The p.Q1580R variant (also known as c.4739A>G), located in coding exon 22 of the DICER1 gene, results from an A to G substitution at nucleotide position 4739. The glutamine at codon 1580 is replaced by arginine, an amino acid with highly similar properties. This amino acid position is highly conserved in available vertebrate species. In addition, this alteration is predicted to be deleterious by in silico analysis. Based on the available evidence, the clinical significance of this variant remains unclear.

NM_177438.3(DICER1):c.4739A>G (p.Gln1580Arg)

Gene: DICER1 (dicer 1, ribonuclease III; minus strand). Cytogenetic location: 14q32.13.
Variant type: single nucleotide variant.
Coding change: c.4739A>G on transcript NM_177438.3 (MANE Select); coding-DNA position 4739, A replaced by G.
Protein change: p.Gln1580Arg; replaces glutamine 1580 with arginine.
Molecular consequence: missense variant. On other transcripts: non-coding transcript variant (6).
Genome position (GRCh38, 1-based): chr14:95,096,181, T>C on the plus strand (A>G on the coding strand, the complement: DICER1 is on the minus strand). VCF-style: chr14-95096181-T-C. GRCh37 (hg19) VCF-style: chr14-95562518-T-C.
Other names: c.4739A>G, p.Gln1580Arg (NM_001195573.1, NM_001271282.3, NM_001291628.2 and 12 more transcripts); c.4457A>G, p.Gln1486Arg (NM_001395686.1); c.4334A>G, p.Gln1445Arg (NM_001395687.1, NM_001395688.1, NM_001395689.1 and 2 more transcripts); c.4172A>G, p.Gln1391Arg (NM_001395691.1); c.3056A>G, p.Gln1019Arg (NM_001395697.1); short protein forms Q1391R, Q1580R, Q1019R, Q1486R, Q1445R.
Identifiers: ClinVar variation 5035315 (VCV005035315.1).